The following is an entry in ClinVar:

NM_016030.6(TRAPPC12):c.385G>A (p.Gly129Arg)

Gene: TRAPPC12 (trafficking protein particle complex subunit 12; plus strand). Cytogenetic location: 2p25.3.
Variant type: single nucleotide variant.
Coding change: c.385G>A on transcript NM_016030.6 (MANE Select); coding-DNA position 385, G replaced by A.
Protein change: p.Gly129Arg; replaces glycine 129 with arginine.
Molecular consequence: missense variant.
Genome position (GRCh38, 1-based): chr2:3,388,008, G>A. VCF-style: chr2-3388008-G-A. GRCh37 (hg19) VCF-style: chr2-3391779-G-A.
Other names: c.385G>A, p.Gly129Arg (NM_001321102.2); short protein forms G129R.
Identifiers: ClinVar variation 2985493 (VCV002985493.3), dbSNP rs1380395470, ClinGen allele CA345739293.
Genomic context (GRCh38, chr2:3,388,008, plus strand): 5'-AGTCCCAGCGGCGAGGCCGACGGCGACTGTGCCCCCGAGGACGCGGCACCCAGTAGCGGA[G>A]GGGCCCCGAGGCAGGACGCGGCCCGCGAGGTCCCAGGCAGCGAAGCCGCGCGCCCGGAGC-3'
Protein context (NP_057114.5, residues 119-139): APEDAAPSSG[Gly129Arg]APRQDAAREV

ClinVar aggregate classification (germline): Uncertain significance (1 of 4 stars; one submission).

Allele frequency attached by ClinVar (database versions not stated): gnomAD exomes below 0.00001; gnomAD 0.00001.

Submission:

Labcorp Genetics (formerly Invitae), Labcorp
Classification: Uncertain significance. Last evaluated: 2023-11-19. Review status: criteria provided, single submitter. Criteria: Invitae Variant Classification Sherloc (09022015). Collection method: clinical testing. Allele origin: germline.
Comment: This sequence change replaces glycine, which is neutral and non-polar, with arginine, which is basic and polar, at codon 129 of the TRAPPC12 protein (p.Gly129Arg). This variant is present in population databases (no rsID available, gnomAD 0.007%). This variant has not been reported in the literature in individuals affected with TRAPPC12-related conditions. Advanced modeling of protein sequence and biophysical properties (such as structural, functional, and spatial information, amino acid conservation, physicochemical variation, residue mobility, and thermodynamic stability) performed at Invitae indicates that this missense variant is not expected to disrupt TRAPPC12 protein function with a negative predictive value of 80%. In summary, the available evidence is currently insufficient to determine the role of this variant in disease. Therefore, it has been classified as a Variant of Uncertain Significance.